The following is an entry in ClinVar:

ClinVar aggregate classification (germline): Conflicting classifications of pathogenicity. Review status: criteria provided, conflicting classifications (1 of 4 stars). 8 submissions from 8 submitters: Uncertain significance (2); Likely benign (5). 1 of the submissions does not count toward it. Last evaluated 2026-09-01.

Conditions:
CACNA1A-related disorder. Also called: CACNA1A-related condition.
Spinocerebellar ataxia type 6 (SCA6). Identifiers: Orphanet 98758, MedGen C0752124, MONDO:0008457, OMIM 183086.
Episodic ataxia type 2 (EA2). Also called: CEREBELLAR ATAXIA, PAROXYSMAL, ACETAZOLAMIDE-RESPONSIVE; CEREBELLOPATHY, HEREDITARY PAROXYSMAL; EPISODIC ATAXIA, NYSTAGMUS-ASSOCIATED; ACETAZOLAMIDE-RESPONSIVE HEREDITARY PAROXYSMAL CEREBELLAR ATAXIA; ATAXIA, EPISODIC, WITH NYSTAGMUS; ATAXIA, FAMILIAL PAROXYSMAL. Identifiers: Orphanet 97, MedGen C1720416, MONDO:0007163, OMIM 108500.
Migraine, familial hemiplegic, 1. Also called: MIGRAINE, FAMILIAL HEMIPLEGIC 1, WITH PROGRESSIVE CEREBELLAR ATAXIA. Identifiers: Orphanet 569, MedGen C1832884, MONDO:0020756, OMIM 141500, MONDO:0007714.
Developmental and epileptic encephalopathy, 42 (DEE42A). Also called: Epileptic encephalopathy, early infantile, 42; DEVELOPMENTAL AND EPILEPTIC ENCEPHALOPATHY 42A; EPILEPTIC ENCEPHALOPATHY, EARLY INFANTILE, 42A. Identifiers: MedGen C4310716, MONDO:0014917, OMIM 617106.
Inborn genetic diseases. Identifiers: MedGen C0950123, MeSH D030342.

Submissions (8):

CeGaT Center for Human Genetics Tuebingen
Classification: Likely benign. Last evaluated: 2026-09-01. Review status: criteria provided, single submitter. Criteria: CeGaT Center For Human Genetics Tuebingen Variant Classification Criteria Version 2. Collection method: clinical testing. Allele origin: germline. Affected: yes. Observed: 8 variant alleles.
Comment: CACNA1A: PM4, BS1

ARUP Laboratories, Molecular Genetics and Genomics, ARUP Laboratories
Classification: Likely benign. Last evaluated: 2024-11-22. Review status: criteria provided, single submitter. Criteria: ARUP Molecular Germline Variant Investigation Process 2024. Collection method: clinical testing. Allele origin: germline.

Blueprint Genetics
Classification: Likely benign. Last evaluated: 2024-10-15. Review status: criteria provided, single submitter. Criteria: ACMG Guidelines, 2015. Collection method: clinical testing. Allele origin: germline.

Ambry Genetics
Classification: Likely benign for Inborn genetic diseases. Last evaluated: 2021-12-28. Review status: criteria provided, single submitter. Criteria: Ambry Variant Classification Scheme 2023. Collection method: clinical testing. Allele origin: germline.

Mendelics
Classification: Likely benign for Episodic ataxia type 2. Last evaluated: 2019-05-28. Review status: criteria provided, single submitter. Criteria: Mendelics Assertion Criteria 2017. Collection method: clinical testing. Allele origin: unknown.

Center for Personalized Medicine, Children's Hospital Los Angeles
Classification: Uncertain significance. Last evaluated: 2018-11-19. Review status: criteria provided, single submitter. Criteria: ACMG Guidelines, 2015. Collection method: clinical testing. Allele origin: germline. Affected: yes.

Center for Genomics, Ann and Robert H. Lurie Children's Hospital of Chicago
Classification: Uncertain significance for Spinocerebellar ataxia type 6; Episodic ataxia type 2; Developmental and epileptic encephalopathy, 42; Migraine, familial hemiplegic, 1. Review status: criteria provided, single submitter. Criteria: ACMG Guidelines, 2015. Collection method: clinical testing. Allele origin: germline.
Comment: CACNA1A NM_001127222.1 exon 47 p.Ser2423_Gly2424del (c.7266_7271del): This variant has not been reported in the literature but is present in 0.2% (45/17222) of Latino alleles in the Genome Aggregation Database. Evolutionary conservation and computational predictive tools for this variant are limited or unavailable. This variant represents an in-frame deletion of 2 amino acids at position 2423/2424 and is not predicted to alter the reading frame. However, the effect of this variant on the protein is unclear. In summary, data on this variant is insufficient for disease classification. Therefore, the clinical significance of this variant is uncertain.

PreventionGenetics, part of Exact Sciences
Classification: Likely benign for CACNA1A-related condition. Last evaluated: 2019-07-12. Review status: no assertion criteria provided. Collection method: clinical testing. Allele origin: germline. Not counted in ClinVar's aggregate classification.
Comment: This variant is classified as likely benign based on ACMG/AMP sequence variant interpretation guidelines (Richards et al. 2015 PMID: 25741868, with internal and published modifications).

NM_001127222.2(CACNA1A):c.7266_7271del (p.Ser2423_Gly2424del)

Gene: CACNA1A (calcium voltage-gated channel subunit alpha1 A; minus strand). Cytogenetic location: 19p13.13.
Variant type: Deletion.
Coding change: c.7266_7271del on transcript NM_001127222.2 (MANE Select); coding-DNA positions 7266 to 7271, 6 bases deleted (CAGCGG; older notation c.7266_7271delCAGCGG).
Protein change: p.Ser2423_Gly2424del.
Molecular consequence: inframe deletion. On other transcripts: 3 prime UTR variant (3).
Genome position (GRCh38, 1-based): chr19:13,207,563-13,207,568, CCGCTG deleted on the plus strand (CAGCGG on the coding strand, the reverse complement: CACNA1A is on the minus strand); deleting any 6 consecutive bases within chr19:13,207,563-13,207,570 gives the same sequence; the c. name uses the placement nearest the transcript's 3' end. VCF-style (leftmost placement, unchanged base first): chr19-13207562-CCCGCTG-C. GRCh37 (hg19) VCF-style: chr19-13318376-CCCGCTG-C.
Other names: c.7266_7271del6 (NM_001127222.1); c.*478_*483delCAGCGG (NM_001127221.1); c.*478_*483del (NM_000068.4, NM_001127221.2, NM_001174080.2); c.7284_7289del, p.Ser2429_Gly2430del (NM_023035.3).
Identifiers: ClinVar variation 598990 (VCV000598990.37), dbSNP rs775428832, ClinGen allele CA9239195.